The following is an entry in ClinVar:

ClinVar aggregate classification (germline): Uncertain significance. Review status: criteria provided, multiple submitters, no conflicts (2 of 4 stars). 2 submissions from 2 submitters: Uncertain significance (2). Last evaluated 2023-06-22.

Allele frequency attached by ClinVar (database versions not stated): gnomAD 0.00001; TOPMed 0.00001; ExAC 0.00002.
gnomAD v4.1: 33 of 1,610,180 alleles (0.002%); highest among the groups gnomAD compares: Non-Finnish European, 0.0027%; no homozygotes.

Submissions (2):

Ambry Genetics
Classification: Uncertain significance. Last evaluated: 2023-06-22. Review status: criteria provided, single submitter. Criteria: Ambry Variant Classification Scheme 2023. Collection method: clinical testing. Allele origin: germline.

Labcorp Genetics (formerly Invitae), Labcorp
Classification: Uncertain significance. Last evaluated: 2022-07-02. Review status: criteria provided, single submitter. Criteria: Invitae Variant Classification Sherloc (09022015). Collection method: clinical testing. Allele origin: germline.
Comment: In summary, the available evidence is currently insufficient to determine the role of this variant in disease. Therefore, it has been classified as a Variant of Uncertain Significance. Algorithms developed to predict the effect of missense changes on protein structure and function output the following: SIFT: "Tolerated"; PolyPhen-2: "Not Available"; Align-GVGD: "Class C0". The serine amino acid residue is found in multiple mammalian species, which suggests that this missense change does not adversely affect protein function. This variant has not been reported in the literature in individuals affected with CYP2R1-related conditions. This variant is present in population databases (rs782615481, gnomAD 0.001%). This sequence change replaces tryptophan, which is neutral and slightly polar, with serine, which is neutral and polar, at codon 5 of the CYP2R1 protein (p.Trp5Ser).

NM_024514.5(CYP2R1):c.14G>C (p.Trp5Ser)

Genes: CYP2R1 (cytochrome P450 family 2 subfamily R member 1; minus strand), PDE3B (phosphodiesterase 3B; plus strand). Cytogenetic location: 11p15.2.
Variant type: single nucleotide variant.
Coding change: c.14G>C on transcript NM_024514.5 (MANE Select); coding-DNA position 14, G replaced by C.
Protein change: p.Trp5Ser; replaces tryptophan 5 with serine.
Molecular consequence: missense variant. On other transcripts: intron variant (1).
Genome position (GRCh38, 1-based): chr11:14,892,192, C>G on the plus strand (G>C on the coding strand, the complement: CYP2R1 is on the minus strand). VCF-style: chr11-14892192-C-G. GRCh37 (hg19) VCF-style: chr11-14913738-C-G.
Other names: c.-121+173G>C (NM_001400558.1); c.14G>C (NM_024514.4); short protein forms W5S.
Identifiers: ClinVar variation 2179637 (VCV002179637.4), dbSNP rs782615481, ClinGen allele CA5896835.
Genomic context (GRCh38, chr11:14,892,192, plus strand): 5'-AGCGCGAAGAGCAGCAGGAAGAGCGCGCCGCCGAGCGCCGCCGCGCCCTCTTCAGCTCTC[C>G]AAAGCTTCCACATCGGCCCGAGCTGGAGGTGCGAACTCCACAGCAGCCCTGAGACCCAGG-3'
Protein context (NP_078790.2, residues 1-15): MWKL[Trp5Ser]RAEEGAAALG